The following is an entry in ClinVar:

NM_002103.5(GYS1):c.1303A>G (p.Thr435Ala)

Gene: GYS1 (glycogen synthase 1; minus strand). Cytogenetic location: 19q13.33.
Variant type: single nucleotide variant.
Coding change: c.1303A>G on transcript NM_002103.5 (MANE Select); coding-DNA position 1303, A replaced by G.
Protein change: p.Thr435Ala; replaces threonine 435 with alanine.
Molecular consequence: missense variant. On other transcripts: non-coding transcript variant (1).
Genome position (GRCh38, 1-based): chr19:48,977,929, T>C on the plus strand (A>G on the coding strand, the complement: GYS1 is on the minus strand). VCF-style: chr19-48977929-T-C. GRCh37 (hg19) VCF-style: chr19-49481186-T-C.
Other names: c.1111A>G, p.Thr371Ala (NM_001161587.2); short protein forms T371A, T435A.
Identifiers: ClinVar variation 893132 (VCV000893132.9), dbSNP rs775775270, ClinGen allele CA9563013.

ClinVar aggregate classification (germline): Uncertain significance. Review status: criteria provided, multiple submitters, no conflicts (2 of 4 stars). 3 submissions from 3 submitters: Uncertain significance (3). Last evaluated 2022-07-03.

Conditions:
Glycogen storage disease due to muscle and heart glycogen synthase deficiency. Also called: GSD 0b; MUSCLE GLYCOGEN SYNTHASE DEFICIENCY. Identifiers: Orphanet 137625, MedGen C1969054, MONDO:0012693, OMIM 611556.

Allele frequency attached by ClinVar (database versions not stated): ExAC 0.00001; gnomAD exomes 0.00001; gnomAD 0.00002; TOPMed 0.00004.
gnomAD v4.1: 60 of 1,612,734 alleles (0.0037%); highest among the groups gnomAD compares: Non-Finnish European, 0.0048%; no homozygotes.

Submissions (3):

Baylor Genetics
Classification: Uncertain significance for Glycogen storage disease due to muscle and heart glycogen synthase deficiency. Last evaluated: 2022-07-03. Review status: criteria provided, single submitter. Criteria: ACMG Guidelines, 2015. Collection method: clinical testing. Allele origin: unknown.

Labcorp Genetics (formerly Invitae), Labcorp
Classification: Uncertain significance for Glycogen storage disease due to muscle and heart glycogen synthase deficiency. Last evaluated: 2022-06-27. Review status: criteria provided, single submitter. Criteria: Invitae Variant Classification Sherloc (09022015). Collection method: clinical testing. Allele origin: germline.
Comment: This sequence change replaces threonine, which is neutral and polar, with alanine, which is neutral and non-polar, at codon 435 of the GYS1 protein (p.Thr435Ala). This variant is present in population databases (rs775775270, gnomAD 0.005%). This variant has not been reported in the literature in individuals affected with GYS1-related conditions. ClinVar contains an entry for this variant (Variation ID: 893132). Algorithms developed to predict the effect of missense changes on protein structure and function are either unavailable or do not agree on the potential impact of this missense change (SIFT: "Tolerated"; PolyPhen-2: "Probably Damaging"; Align-GVGD: "Class C0"). In summary, the available evidence is currently insufficient to determine the role of this variant in disease. Therefore, it has been classified as a Variant of Uncertain Significance.

Illumina Laboratory Services, Illumina
Classification: Uncertain significance for Glycogen storage disease due to muscle and heart glycogen synthase deficiency. Last evaluated: 2018-01-13. Review status: criteria provided, single submitter. Criteria: ICSL Variant Classification Criteria 13 December 2019. Collection method: clinical testing. Allele origin: germline.